The following is an entry in ClinVar:

ClinVar aggregate classification (germline): Pathogenic. Review status: criteria provided, multiple submitters, no conflicts (2 of 4 stars). 2 submissions from 2 submitters: Pathogenic (2). Last evaluated 2025-10-01.

Conditions:
RYR1-related disorder. Also called: RYR1-related disorders; RYR1-related condition. Identifiers: MedGen CN239331.

Submissions (2):

GeneDx
Classification: Pathogenic. Last evaluated: 2025-10-01. Review status: criteria provided, single submitter. Criteria: GeneDx Variant Classification Process June 2021. Collection method: clinical testing. Allele origin: germline. Affected: yes.
Comment: Nonsense variant predicted to result in protein truncation or nonsense mediated decay in a gene for which loss of function is a known mechanism of disease; Not observed at significant frequency in large population cohorts (gnomAD); This variant is associated with the following publications: (PMID: 28547000, 22473935, 33144682, 29932520, 28818389)

Labcorp Genetics (formerly Invitae), Labcorp
Classification: Pathogenic for RYR1-related disorder. Last evaluated: 2023-09-26. Review status: criteria provided, single submitter. Criteria: Invitae Variant Classification Sherloc (09022015). Collection method: clinical testing. Allele origin: germline.
Comment: For these reasons, this variant has been classified as Pathogenic. ClinVar contains an entry for this variant (Variation ID: 280275). This premature translational stop signal has been observed in individuals with autosomal recessive RYR1-related myopathy (PMID: 22473935, 28547000). This variant is present in population databases (no rsID available, gnomAD 0.008%). This sequence change creates a premature translational stop signal (p.Trp1495*) in the RYR1 gene. It is expected to result in an absent or disrupted protein product. Loss-of-function variants in RYR1 are known to be pathogenic (PMID: 23919265, 25960145, 28818389, 30611313).

Literature cited by the submitters: PubMed 22473935 (cited by Labcorp Genetics (formerly Invitae), Labcorp); PubMed 28547000 (cited by Labcorp Genetics (formerly Invitae), Labcorp); PubMed 23919265 (cited by Labcorp Genetics (formerly Invitae), Labcorp); PubMed 25960145 (cited by Labcorp Genetics (formerly Invitae), Labcorp); PubMed 28818389 (cited by Labcorp Genetics (formerly Invitae), Labcorp); PubMed 30611313 (cited by Labcorp Genetics (formerly Invitae), Labcorp).

NM_000540.3(RYR1):c.4485_4500del (p.Val1494_Trp1495insTer)

Gene: RYR1 (ryanodine receptor 1; plus strand). Cytogenetic location: 19q13.2.
Variant type: Deletion.
Coding change: c.4485_4500del on transcript NM_000540.3 (MANE Select); coding-DNA positions 4485 to 4500, 16 bases deleted (GGGCGGAGACTTTGTG).
Protein change: p.Val1494_Trp1495insTer.
Molecular consequence: nonsense.
Genome position (GRCh38, 1-based): chr19:38,478,465-38,478,480, GGGCGGAGACTTTGTG deleted; deleting any 16 consecutive bases within chr19:38,478,461-38,478,480 gives the same sequence; the c. name uses the placement nearest the transcript's 3' end. VCF-style (leftmost placement, unchanged base first): chr19-38478460-GTGTGGGGCGGAGACTT-G. GRCh37 (hg19) VCF-style: chr19-38969100-GTGTGGGGCGGAGACTT-G.
Other names: c.4485_4500delGGGCGGAGACTTTGTG (NM_000540.2); c.4485_4500del (NM_000540.2); c.4485_4500del16 (NM_000540.2); c.4485_4500del, p.Val1494_Trp1495insTer (NM_001042723.2).
Identifiers: ClinVar variation 280275 (VCV000280275.11), dbSNP rs886041511, ClinGen allele CA10603641.